The following is an entry in ClinVar:

NM_000059.4(BRCA2):c.9256+541A>C

Gene: BRCA2 (BRCA2 DNA repair associated; plus strand). Cytogenetic location: 13q13.1.
Variant type: single nucleotide variant.
Coding change: c.9256+541A>C on transcript NM_000059.4 (MANE Select); 541 bases into the intron after coding-DNA position 9256, A replaced by C.
Molecular consequence: intron variant.
Genome position (GRCh38, 1-based): chr13:32,380,686, A>C. VCF-style: chr13-32380686-A-C. GRCh37 (hg19) VCF-style: chr13-32954823-A-C.
Identifiers: ClinVar variation 264923 (VCV000264923.1), dbSNP rs11571770, ClinGen allele CA10588155.

ClinVar aggregate classification (germline): Benign (3 of 4 stars; one submission).

Conditions:
Breast-ovarian cancer, familial, susceptibility to, 2 (BROVCA2). Also called: BRCA2 Hereditary Breast and Ovarian Cancer. Identifiers: Orphanet 145, MedGen C2675520, MONDO:0012933, OMIM 612555. Disease mechanism: loss of function.

Allele frequency attached by ClinVar (database versions not stated): gnomAD 0.00726 and 0.00794; 1000 Genomes Project 30x 0.00734; TOPMed 0.00807; 1000 Genomes Project 0.01178.
gnomAD v4.1: 1,093 of 151,536 alleles (0.72%); highest among the groups gnomAD compares: African/African-American, 2.5%; 16 homozygotes.

Submission:

Evidence-based Network for the Interpretation of Germline Mutant Alleles (ENIGMA)
Classification: Benign for Breast-ovarian cancer, familial, susceptibility to, 2. Last evaluated: 2016-09-28. Review status: reviewed by expert panel. Criteria: ENIGMA BRCA1/2 Classification Criteria (2015). Collection method: curation. Allele origin: germline.
Comment: Class 1 not pathogenic based on frequency >1% in an outbred sampleset. Frequency 0.0325 (African), derived from 1000 genomes (2013-05-02).